The following is an entry in ClinVar:

ClinVar aggregate classification (germline): Uncertain significance (1 of 4 stars; one submission).

Allele frequency attached by ClinVar (database versions not stated): TOPMed 0.00001; gnomAD 0.00002; gnomAD exomes 0.00002 and 0.00004; ExAC 0.00008.
gnomAD v4.1: 19 of 1,614,038 alleles (0.0012%); highest among the groups gnomAD compares: African/African-American, 0.0013%; no homozygotes.

Submission:

Labcorp Genetics (formerly Invitae), Labcorp
Classification: Uncertain significance. Last evaluated: 2024-12-02. Review status: criteria provided, single submitter. Criteria: Invitae Variant Classification Sherloc (09022015). Collection method: clinical testing. Allele origin: germline.
Comment: This sequence change replaces glycine, which is neutral and non-polar, with cysteine, which is neutral and slightly polar, at codon 67 of the ABHD12 protein (p.Gly67Cys). This variant is present in population databases (rs778913964, gnomAD 0.01%). This variant has not been reported in the literature in individuals affected with ABHD12-related conditions. ClinVar contains an entry for this variant (Variation ID: 1392968). An algorithm developed to predict the effect of missense changes on protein structure and function (PolyPhen-2) suggests that this variant is likely to be disruptive. In summary, the available evidence is currently insufficient to determine the role of this variant in disease. Therefore, it has been classified as a Variant of Uncertain Significance.

NM_001042472.3(ABHD12):c.199G>T (p.Gly67Cys)

Gene: ABHD12 (abhydrolase domain containing 12, lysophospholipase; minus strand). Cytogenetic location: 20p11.21.
Variant type: single nucleotide variant.
Coding change: c.199G>T on transcript NM_001042472.3 (MANE Select); coding-DNA position 199, G replaced by T.
Protein change: p.Gly67Cys; replaces glycine 67 with cysteine.
Molecular consequence: missense variant.
Genome position (GRCh38, 1-based): chr20:25,339,344, C>A on the plus strand (G>T on the coding strand, the complement: ABHD12 is on the minus strand). VCF-style: chr20-25339344-C-A. GRCh37 (hg19) VCF-style: chr20-25319980-C-A.
Other names: c.199G>T, p.Gly67Cys (NM_015600.5); short protein forms G67C.
Identifiers: ClinVar variation 1392968 (VCV001392968.8), dbSNP rs778913964, ClinGen allele CA9796221.